The following is an entry in ClinVar:

NM_014806.5(RUSC2):c.1531C>T (p.Leu511=)

Gene: RUSC2 (RUN and SH3 domain containing 2; plus strand). Cytogenetic location: 9p13.3.
Variant type: single nucleotide variant.
Coding change: c.1531C>T on transcript NM_014806.5 (MANE Select); coding-DNA position 1531, C replaced by T.
Protein change: p.Leu511=; no amino-acid change (leucine 511 retained).
Molecular consequence: synonymous variant. On other transcripts: non-coding transcript variant (1), intron variant (1).
Genome position (GRCh38, 1-based): chr9:35,548,052, C>T. VCF-style: chr9-35548052-C-T. GRCh37 (hg19) VCF-style: chr9-35548049-C-T.
Other names: c.1531C>T, p.Leu511= (NM_001135999.2); c.-620-7008C>T (NM_001330740.2).
Identifiers: ClinVar variation 1546480 (VCV001546480.32), dbSNP rs142635607, ClinGen allele CA5043665.
Genomic context (GRCh38, chr9:35,548,052, plus strand): 5'-ACTGGACGTCAGCGCTCCCGCAGCTATGATCGCAGCCTGCAGCGCAGCCCTCCTGTCCGC[C>T]TGGGCTCGCTGGAACGTATGTTGAGTTGCCCAGTGCGCTTGAGTGAGGGCCCTGCAGCCA-3'
Protein context (NP_055621.2, residues 501-521): RSLQRSPPVR[Leu511=]GSLERMLSCP

ClinVar aggregate classification (germline): Likely benign. Review status: criteria provided, multiple submitters, no conflicts (2 of 4 stars). 3 submissions from 3 submitters: Likely benign (3). Last evaluated 2026-05-01.

Allele frequency attached by ClinVar (database versions not stated): 1000 Genomes Project 0.00040; 1000 Genomes Project 30x 0.00047; ExAC 0.00056; gnomAD exomes 0.00056 and 0.00097; ESP Exome Variant Server 0.00062; gnomAD 0.00078 and 0.00079; TOPMed 0.00086.
gnomAD v4.1: 1,525 of 1,613,594 alleles (0.095%); highest among the groups gnomAD compares: Non-Finnish European, 0.12%; 1 homozygote.

Submissions (3):

CeGaT Center for Human Genetics Tuebingen
Classification: Likely benign. Last evaluated: 2026-05-01. Review status: criteria provided, single submitter. Criteria: CeGaT Center For Human Genetics Tuebingen Variant Classification Criteria Version 2. Collection method: clinical testing. Allele origin: germline. Affected: yes. Observed: 4 variant alleles.
Comment: RUSC2: BP4, BP7

Labcorp Genetics (formerly Invitae), Labcorp
Classification: Likely benign. Last evaluated: 2026-01-26. Review status: criteria provided, single submitter. Criteria: Invitae Variant Classification Sherloc (09022015). Collection method: clinical testing. Allele origin: germline.

Blueprint Genetics
Classification: Likely benign. Last evaluated: 2024-11-18. Review status: criteria provided, single submitter. Criteria: ACMG Guidelines, 2015. Collection method: clinical testing. Allele origin: germline.